The following is an entry in ClinVar:

ClinVar aggregate classification (germline): Conflicting classifications of pathogenicity. Review status: criteria provided, conflicting classifications (1 of 4 stars). 2 submissions from 2 submitters: Likely pathogenic (1); Uncertain significance (1). Last evaluated 2022-11-29.

Conditions:
Charcot-Marie-Tooth disease type 2. Also called: Charcot-Marie-Tooth type 2. Identifiers: Orphanet 64746, MedGen C0270914, MONDO:0018993.

Submissions (2):

Labcorp Genetics (formerly Invitae), Labcorp
Classification: Likely pathogenic for Charcot-Marie-Tooth disease type 2. Last evaluated: 2022-11-29. Review status: criteria provided, single submitter. Criteria: Invitae Variant Classification Sherloc (09022015). Collection method: clinical testing. Allele origin: germline.
Comment: In summary, the currently available evidence indicates that the variant is pathogenic, but additional data are needed to prove that conclusively. Therefore, this variant has been classified as Likely Pathogenic. This variant disrupts the p.Pro336 amino acid residue in GARS. Other variant(s) that disrupt this residue have been determined to be pathogenic (Invitae). This suggests that this residue is clinically significant, and that variants that disrupt this residue are likely to be disease-causing. Advanced modeling of protein sequence and biophysical properties (such as structural, functional, and spatial information, amino acid conservation, physicochemical variation, residue mobility, and thermodynamic stability) performed at Invitae indicates that this missense variant is expected to disrupt GARS protein function. ClinVar contains an entry for this variant (Variation ID: 447370). This variant has not been reported in the literature in individuals affected with GARS-related conditions. This variant is not present in population databases (gnomAD no frequency). This sequence change replaces proline, which is neutral and non-polar, with serine, which is neutral and polar, at codon 336 of the GARS protein (p.Pro336Ser).

Athena Diagnostics
Classification: Uncertain significance. Last evaluated: 2016-10-28. Review status: criteria provided, single submitter. Criteria: Athena Diagnostics Criteria. Collection method: clinical testing. Allele origin: germline.

NM_002047.4(GARS1):c.1006C>T (p.Pro336Ser)

Gene: GARS1 (glycyl-tRNA synthetase 1; plus strand). Cytogenetic location: 7p14.3.
Variant type: single nucleotide variant.
Coding change: c.1006C>T on transcript NM_002047.4 (MANE Select); coding-DNA position 1006, C replaced by T.
Protein change: p.Pro336Ser; replaces proline 336 with serine.
Molecular consequence: missense variant.
Genome position (GRCh38, 1-based): chr7:30,612,220, C>T. VCF-style: chr7-30612220-C-T. GRCh37 (hg19) VCF-style: chr7-30651836-C-T.
Other names: c.1006C>T (LRG_243t1); c.844C>T, p.Pro282Ser (NM_001316772.1); short protein forms P336S, P282S.
Identifiers: ClinVar variation 447370 (VCV000447370.8), dbSNP rs1554338264, ClinGen allele CA367125541.